The following is an entry in ClinVar:

ClinVar aggregate classification (germline): Uncertain significance (1 of 4 stars; one submission).

Conditions:
Aspartylglucosaminuria (AGU). Also called: Aspartylglucos-aminuria; Aspartylglucos-amidase (AGA) deficiency; GLYCOASPARAGINASE; GLYCOSYLASPARAGINASE DEFICIENCY; AGA DEFICIENCY. Identifiers: Orphanet 93, MedGen C0268225, MONDO:0008830, OMIM 208400, HP:0012068.

Allele frequency attached by ClinVar (database versions not stated): gnomAD exomes below 0.00001 and 0.00001; ExAC 0.00001; gnomAD 0.00001; TOPMed 0.00001.

Submission:

Labcorp Genetics (formerly Invitae), Labcorp
Classification: Uncertain significance for Aspartylglucosaminuria. Last evaluated: 2022-07-05. Review status: criteria provided, single submitter. Criteria: Invitae Variant Classification Sherloc (09022015). Collection method: clinical testing. Allele origin: germline.
Comment: This sequence change replaces arginine, which is basic and polar, with cysteine, which is neutral and slightly polar, at codon 202 of the AGA protein (p.Arg202Cys). This variant is present in population databases (rs764539498, gnomAD 0.0009%). This variant has not been reported in the literature in individuals affected with AGA-related conditions. ClinVar contains an entry for this variant (Variation ID: 1435579). Algorithms developed to predict the effect of missense changes on protein structure and function output the following: SIFT: "Tolerated"; PolyPhen-2: "Benign"; Align-GVGD: "Class C15". The cysteine amino acid residue is found in multiple mammalian species, which suggests that this missense change does not adversely affect protein function. In summary, the available evidence is currently insufficient to determine the role of this variant in disease. Therefore, it has been classified as a Variant of Uncertain Significance.

NM_000027.4(AGA):c.604C>T (p.Arg202Cys)

Gene: AGA (aspartylglucosaminidase; minus strand). Cytogenetic location: 4q34.3.
Variant type: single nucleotide variant.
Coding change: c.604C>T on transcript NM_000027.4 (MANE Select); coding-DNA position 604, C replaced by T.
Protein change: p.Arg202Cys; replaces arginine 202 with cysteine.
Molecular consequence: missense variant. On other transcripts: non-coding transcript variant (1).
Genome position (GRCh38, 1-based): chr4:177,437,423, G>A on the plus strand (C>T on the coding strand, the complement: AGA is on the minus strand). VCF-style: chr4-177437423-G-A. GRCh37 (hg19) VCF-style: chr4-178358577-G-A.
Other names: c.604C>T, p.Arg202Cys (NM_001171988.2); short protein forms R202C.
Identifiers: ClinVar variation 1435579 (VCV001435579.3), dbSNP rs764539498, ClinGen allele CA3146883.